The following is an entry in ClinVar:

ClinVar aggregate classification (germline): Uncertain significance. Review status: criteria provided, multiple submitters, no conflicts (2 of 4 stars). 3 submissions from 3 submitters: Uncertain significance (2). 1 of the submissions does not count toward it. Last evaluated 2023-07-24.

Conditions:
Glycogen storage disease, type II (IOPD). Also called: Glucosidase acid-1,4-alpha deficiency; CARDIOMEGALIA GLYCOGENICA DIFFUSA; GLYCOGENOSIS, GENERALIZED, CARDIAC FORM; GSD II; POMPE DISEASE, INFANTILE-ONSET; GLYCOGEN STORAGE DISEASE II, INFANTILE-ONSET. Identifiers: Orphanet 365, MedGen C0017921, MONDO:0009290, OMIM 232300.

Allele frequency attached by ClinVar (database versions not stated): ExAC 0.00001; gnomAD 0.00001; gnomAD exomes 0.00001; TOPMed 0.00001; 1000 Genomes Project 30x 0.00016; 1000 Genomes Project 0.00020.

Submissions (3):

Revvity Omics, Revvity
Classification: Uncertain significance. Last evaluated: 2023-07-24. Review status: criteria provided, single submitter. Criteria: ACMG Guidelines, 2015. Collection method: clinical testing. Allele origin: germline.

Labcorp Genetics (formerly Invitae), Labcorp
Classification: Uncertain significance for Glycogen storage disease, type II. Last evaluated: 2022-08-04. Review status: criteria provided, single submitter. Criteria: Invitae Variant Classification Sherloc (09022015). Collection method: clinical testing. Allele origin: germline.
Comment: This sequence change replaces valine, which is neutral and non-polar, with isoleucine, which is neutral and non-polar, at codon 949 of the GAA protein (p.Val949Ile). This variant is present in population databases (rs183458422, gnomAD 0.004%). This variant has not been reported in the literature in individuals affected with GAA-related conditions. ClinVar contains an entry for this variant (Variation ID: 188486). Advanced modeling of protein sequence and biophysical properties (such as structural, functional, and spatial information, amino acid conservation, physicochemical variation, residue mobility, and thermodynamic stability) performed at Invitae indicates that this missense variant is not expected to disrupt GAA protein function. In summary, the available evidence is currently insufficient to determine the role of this variant in disease. Therefore, it has been classified as a Variant of Uncertain Significance.

Natera, Inc.
Classification: Uncertain significance for Glycogen storage disease type II. Last evaluated: 2020-01-02. Review status: no assertion criteria provided. Collection method: clinical testing. Allele origin: germline. Not counted in ClinVar's aggregate classification.

NM_000152.5(GAA):c.2845G>A (p.Val949Ile)

Gene: GAA (alpha glucosidase; plus strand). Cytogenetic location: 17q25.3.
Variant type: single nucleotide variant.
Coding change: c.2845G>A on transcript NM_000152.5 (MANE Select); coding-DNA position 2845, G replaced by A.
Protein change: p.Val949Ile; replaces valine 949 with isoleucine.
Molecular consequence: missense variant.
Genome position (GRCh38, 1-based): chr17:80,119,317, G>A. VCF-style: chr17-80119317-G-A. GRCh37 (hg19) VCF-style: chr17-78093116-G-A.
Other names: c.2845G>A, p.Val949Ile (NM_001079803.3, NM_001079804.3); short protein forms V949I.
Identifiers: ClinVar variation 188486 (VCV000188486.13), dbSNP rs183458422, ClinGen allele CA198803.